The following is an entry in ClinVar:

NM_001114753.3(ENG):c.1259T>G (p.Met420Arg)

Genes: ENG (endoglin; minus strand), LOC102723566 (uncharacterized LOC102723566; plus strand). Cytogenetic location: 9q34.11.
Variant type: single nucleotide variant.
Coding change: c.1259T>G on transcript NM_001114753.3 (MANE Select); coding-DNA position 1259, T replaced by G.
Protein change: p.Met420Arg; replaces methionine 420 with arginine.
Molecular consequence: missense variant.
Genome position (GRCh38, 1-based): chr9:127,819,913, A>C on the plus strand (T>G on the coding strand, the complement: ENG is on the minus strand). VCF-style: chr9-127819913-A-C. GRCh37 (hg19) VCF-style: chr9-130582192-A-C.
Other names: c.1259T>G, p.Met420Arg (NM_000118.4); c.713T>G, p.Met238Arg (NM_001278138.2); short protein forms M238R, M420R.
Identifiers: ClinVar variation 4824974 (VCV004824974.1).

ClinVar aggregate classification (germline): Uncertain significance (1 of 4 stars; one submission).

Conditions:
Cardiovascular phenotype. Identifiers: MedGen CN230736.

Submission:

Ambry Genetics
Classification: Uncertain significance for Cardiovascular phenotype. Last evaluated: 2026-01-21. Review status: criteria provided, single submitter. Criteria: Ambry Variant Classification Scheme 2023. Collection method: clinical testing. Allele origin: germline.
Comment: The p.M420R variant (also known as c.1259T>G), located in coding exon 9 of the ENG gene, results from a T to G substitution at nucleotide position 1259. The methionine at codon 420 is replaced by arginine, an amino acid with similar properties. This amino acid position is conserved. In addition, this alteration is predicted to be tolerated by in silico analysis. Based on the available evidence, the clinical significance of this variant remains unclear.